The following is an entry in ClinVar:

ClinVar aggregate classification (germline): Conflicting classifications of pathogenicity. Review status: criteria provided, conflicting classifications (1 of 4 stars). 3 submissions from 3 submitters: Uncertain significance (2); Likely benign (1). Last evaluated 2026-01-13.

Conditions:
Familial meningioma. Also called: Meningioma, familial, susceptibility to. Identifiers: Orphanet 263662, MedGen C3551915, MONDO:0011789, OMIM 607174.
Hereditary cancer-predisposing syndrome. Also called: Hereditary Cancer Syndrome; Hereditary neoplastic syndrome; Tumor predisposition; Neoplastic Syndromes, Hereditary. Identifiers: Orphanet 140162, MedGen C0027672, MeSH D009386, MONDO:0015356.
Gorlin syndrome. Also called: Basal cell nevus syndrome; Nevoid Basal Cell Carcinoma Syndrome. Identifiers: Orphanet 377, MedGen C0004779, MONDO:0007187.
Medulloblastoma (MDB). Also called: Medulloblastoma, somatic; MEDULLOBLASTOMA PREDISPOSITION SYNDROME. Identifiers: Orphanet 616, MedGen C0025149, MeSH D008527, MONDO:0007959, OMIM 155255, HP:0002885.

Allele frequency attached by ClinVar (database versions not stated): gnomAD 0.00001; TOPMed 0.00001; ExAC 0.00002; gnomAD exomes 0.00002.
gnomAD v4.1: 26 of 1,614,008 alleles (0.0016%); highest among the groups gnomAD compares: Admixed American, 0.0033%; no homozygotes.

Submissions (3):

Labcorp Genetics (formerly Invitae), Labcorp
Classification: Uncertain significance for Gorlin syndrome; Medulloblastoma. Last evaluated: 2026-01-13. Review status: criteria provided, single submitter. Criteria: Invitae Variant Classification Sherloc (09022015). Collection method: clinical testing. Allele origin: germline.
Comment: This sequence change replaces arginine, which is basic and polar, with histidine, which is basic and polar, at codon 362 of the SUFU protein (p.Arg362His). This variant is present in population databases (rs755390277, gnomAD 0.005%). This variant has not been reported in the literature in individuals affected with SUFU-related conditions. ClinVar contains an entry for this variant (Variation ID: 453951). Invitae Evidence Modeling of protein sequence and biophysical properties (such as structural, functional, and spatial information, amino acid conservation, physicochemical variation, residue mobility, and thermodynamic stability) indicates that this missense variant is not expected to disrupt SUFU protein function with a negative predictive value of 80%. In summary, the available evidence is currently insufficient to determine the role of this variant in disease. Therefore, it has been classified as a Variant of Uncertain Significance.

Baylor Genetics
Classification: Uncertain significance for Familial meningioma. Last evaluated: 2023-07-03. Review status: criteria provided, single submitter. Criteria: ACMG Guidelines, 2015. Collection method: clinical testing. Allele origin: unknown.

Ambry Genetics
Classification: Likely benign for Hereditary cancer-predisposing syndrome. Last evaluated: 2023-04-06. Review status: criteria provided, single submitter. Criteria: Ambry Variant Classification Scheme 2023. Collection method: clinical testing. Allele origin: germline.

NM_016169.4(SUFU):c.1085G>A (p.Arg362His)

Gene: SUFU (SUFU negative regulator of hedgehog signaling; plus strand). Cytogenetic location: 10q24.32.
Variant type: single nucleotide variant.
Coding change: c.1085G>A on transcript NM_016169.4 (MANE Select); coding-DNA position 1085, G replaced by A.
Protein change: p.Arg362His; replaces arginine 362 with histidine.
Molecular consequence: missense variant.
Genome position (GRCh38, 1-based): chr10:102,615,330, G>A. VCF-style: chr10-102615330-G-A. GRCh37 (hg19) VCF-style: chr10-104375087-G-A.
Other names: c.1085G>A, p.Arg362His (NM_001178133.2); short protein forms R362H.
Identifiers: ClinVar variation 453951 (VCV000453951.16), dbSNP rs755390277, ClinGen allele CA5667867.